The following is an entry in ClinVar:

ClinVar aggregate classification (germline): Uncertain significance (1 of 4 stars; one submission).

Conditions:
Cerebral creatine deficiency syndrome. Also called: Creatine deficiency syndromes. Identifiers: Orphanet 79172, MedGen C5244016, MONDO:0000456.

Allele frequency attached by ClinVar (database versions not stated): gnomAD exomes below 0.00001.
gnomAD v4.1: 6 of 1,612,892 alleles (0.00037%); highest among the groups gnomAD compares: Non-Finnish European, 0.00051%; no homozygotes.

Submission:

Labcorp Genetics (formerly Invitae), Labcorp
Classification: Uncertain significance for Cerebral creatine deficiency syndrome. Last evaluated: 2022-07-11. Review status: criteria provided, single submitter. Criteria: Invitae Variant Classification Sherloc (09022015). Collection method: clinical testing. Allele origin: germline.
Comment: This variant has not been reported in the literature in individuals affected with GAMT-related conditions. In summary, the available evidence is currently insufficient to determine the role of this variant in disease. Therefore, it has been classified as a Variant of Uncertain Significance. Algorithms developed to predict the effect of missense changes on protein structure and function are either unavailable or do not agree on the potential impact of this missense change (SIFT: "Deleterious"; PolyPhen-2: "Probably Damaging"; Align-GVGD: "Class C0"). ClinVar contains an entry for this variant (Variation ID: 1390673). This variant is not present in population databases (gnomAD no frequency). This sequence change replaces phenylalanine, which is neutral and non-polar, with valine, which is neutral and non-polar, at codon 129 of the GAMT protein (p.Phe129Val).

NM_000156.6(GAMT):c.385T>G (p.Phe129Val)

Gene: GAMT (guanidinoacetate N-methyltransferase; minus strand). Cytogenetic location: 19p13.3.
Variant type: single nucleotide variant.
Coding change: c.385T>G on transcript NM_000156.6 (MANE Select); coding-DNA position 385, T replaced by G.
Protein change: p.Phe129Val; replaces phenylalanine 129 with valine.
Molecular consequence: missense variant.
Genome position (GRCh38, 1-based): chr19:1,399,530, A>C on the plus strand (T>G on the coding strand, the complement: GAMT is on the minus strand). VCF-style: chr19-1399530-A-C. GRCh37 (hg19) VCF-style: chr19-1399529-A-C.
Other names: c.385T>G, p.Phe129Val (NM_138924.3); short protein forms F129V.
Identifiers: ClinVar variation 1390673 (VCV001390673.7), dbSNP rs2144637427, ClinGen allele CA402995499.
Genomic context (GRCh38, chr19:1,399,530, plus strand): 5'-GGCTGCATTGGAGCTGGGGAGGCCCACCCTGTGATACGTCCCCTCACCCCTCACCATCAA[A>C]GTGACCGTCAGGCAGGGTGGGTGCCACATCCTCCCACAGGCCTTTCAAGGGGATGACCTT-3'
Protein context (NP_000147.1, residues 119-139): DVAPTLPDGH[Phe129Val]DGILYDTYPL